The following is an entry in ClinVar:

NM_017849.4(TMEM127):c.550G>C (p.Gly184Arg)

Gene: TMEM127 (transmembrane protein 127; minus strand). Cytogenetic location: 2q11.2.
Variant type: single nucleotide variant.
Coding change: c.550G>C on transcript NM_017849.4 (MANE Select); coding-DNA position 550, G replaced by C.
Protein change: p.Gly184Arg; replaces glycine 184 with arginine.
Molecular consequence: missense variant.
Genome position (GRCh38, 1-based): chr2:96,253,975, C>G on the plus strand (G>C on the coding strand, the complement: TMEM127 is on the minus strand). VCF-style: chr2-96253975-C-G. GRCh37 (hg19) VCF-style: chr2-96919713-C-G.
Other names: c.550G>C, p.Gly184Arg (NM_001193304.3); short protein forms G184R.
Identifiers: ClinVar variation 405196 (VCV000405196.11), dbSNP rs1060500597, ClinGen allele CA16611124.

ClinVar aggregate classification (germline): Uncertain significance. Review status: criteria provided, multiple submitters, no conflicts (2 of 4 stars). 2 submissions from 2 submitters: Uncertain significance (2). Last evaluated 2024-01-19.

Conditions:
Hereditary cancer-predisposing syndrome. Also called: Neoplastic Syndromes, Hereditary; Hereditary neoplastic syndrome; Tumor predisposition; Hereditary Cancer Syndrome. Identifiers: Orphanet 140162, MedGen C0027672, MeSH D009386, MONDO:0015356.
Hereditary pheochromocytoma and paraganglioma. Also called: Hereditary Paraganglioma-Pheochromocytoma Syndromes; Hereditary paragangliomas and pheochromocytomas; Hereditary pheochromocytoma-paraganglioma. Identifiers: Orphanet 29072, MedGen C4274332, MONDO:0017366.

Submissions (2):

Labcorp Genetics (formerly Invitae), Labcorp
Classification: Uncertain significance for Hereditary pheochromocytoma and paraganglioma. Last evaluated: 2024-01-19. Review status: criteria provided, single submitter. Criteria: Invitae Variant Classification Sherloc (09022015). Collection method: clinical testing. Allele origin: germline.
Comment: This sequence change replaces glycine, which is neutral and non-polar, with arginine, which is basic and polar, at codon 184 of the TMEM127 protein (p.Gly184Arg). This variant is not present in population databases (gnomAD no frequency). This variant has not been reported in the literature in individuals affected with TMEM127-related conditions. ClinVar contains an entry for this variant (Variation ID: 405196). An algorithm developed to predict the effect of missense changes on protein structure and function (PolyPhen-2) suggests that this variant is likely to be disruptive. In summary, the available evidence is currently insufficient to determine the role of this variant in disease. Therefore, it has been classified as a Variant of Uncertain Significance.

Ambry Genetics
Classification: Uncertain significance for Hereditary cancer-predisposing syndrome. Last evaluated: 2023-12-14. Review status: criteria provided, single submitter. Criteria: Ambry Variant Classification Scheme 2023. Collection method: clinical testing. Allele origin: germline.
Comment: The p.G184R variant (also known as c.550G>C), located in coding exon 3 of the TMEM127 gene, results from a G to C substitution at nucleotide position 550. The glycine at codon 184 is replaced by arginine, an amino acid with dissimilar properties. This amino acid position is conserved. In addition, this alteration is predicted to be deleterious by in silico analysis. Since supporting evidence is limited at this time, the clinical significance of this alteration remains unclear.